The following is an entry in ClinVar:

ClinVar aggregate classification (germline): Pathogenic (1 of 4 stars; one submission).

Conditions:
Hereditary retinoblastoma. Identifiers: Orphanet 357027, MedGen C0751483, MONDO:0018160.

Submission:

Ramesar Group, Division of Human Genetics, Institute of Infectious Diseases and Molecular Medicine, UCT/MRC Genomic and Precision Medicine Research Unit, University of Cape Town
Classification: Pathogenic for Hereditary retinoblastoma. Last evaluated: 2025-09-17. Review status: criteria provided, single submitter. Criteria: ACMG Guidelines, 2015. Collection method: research. Allele origin: germline. Affected: yes. Observed: 1 variant allele.
Comment: PVS1: Null variant (canonical -2 splice site) in a gene (RB1) where LOF is a known mechanism of disease PM2: Absent from gnomAD and ExAC PP3: SpliceAI informs an acceptor loss and acceptor gain score of 1.00 and 0.93, respectively PP4: Patients presents with bilateral retinoblastoma Not in ClinVar or the LOVD

NM_000321.3(RB1):c.1961-2A>C

Gene: RB1 (RB transcriptional corepressor 1; plus strand). Cytogenetic location: 13q14.2.
Variant type: single nucleotide variant.
Coding change: c.1961-2A>C on transcript NM_000321.3 (MANE Select); the canonical splice acceptor site of the intron before coding-DNA position 1961, A replaced by C.
Molecular consequence: splice acceptor variant.
Genome position (GRCh38, 1-based): chr13:48,459,686, A>C. VCF-style: chr13-48459686-A-C. GRCh37 (hg19) VCF-style: chr13-49033822-A-C.
Other names: c.1961-2A>C (NM_001407165.1).
Identifiers: ClinVar variation 4759391 (VCV004759391.1).